The following is an entry in ClinVar:

NM_024577.4(SH3TC2):c.2516A>G (p.Tyr839Cys)

Gene: SH3TC2 (SH3 domain and tetratricopeptide repeats 2; minus strand). Cytogenetic location: 5q32.
Variant type: single nucleotide variant.
Coding change: c.2516A>G on transcript NM_024577.4 (MANE Select); coding-DNA position 2516, A replaced by G.
Protein change: p.Tyr839Cys; replaces tyrosine 839 with cysteine.
Molecular consequence: missense variant.
Genome position (GRCh38, 1-based): chr5:149,027,216, T>C on the plus strand (A>G on the coding strand, the complement: SH3TC2 is on the minus strand). VCF-style: chr5-149027216-T-C. GRCh37 (hg19) VCF-style: chr5-148406779-T-C.
Other names: short protein forms Y839C.
Identifiers: ClinVar variation 857705 (VCV000857705.10), dbSNP rs202139757, ClinGen allele CA3498978.

ClinVar aggregate classification (germline): Uncertain significance. Review status: criteria provided, multiple submitters, no conflicts (2 of 4 stars). 2 submissions from 2 submitters: Uncertain significance (2). Last evaluated 2023-06-29.

Conditions:
Charcot-Marie-Tooth disease type 4. Also called: Charcot-Marie-Tooth disease, type IV; Charcot-Marie-Tooth, Type 4. Identifiers: Orphanet 64749, MedGen C4082197, MONDO:0018995.
Inborn genetic diseases. Identifiers: MedGen C0950123, MeSH D030342.

Allele frequency attached by ClinVar (database versions not stated): gnomAD 0.00001 and 0.00002; gnomAD exomes 0.00001 and 0.00003; TOPMed 0.00001; ExAC 0.00002; 1000 Genomes Project 0.00020; 1000 Genomes Project 30x 0.00031.
gnomAD v4.1: 44 of 1,614,224 alleles (0.0027%); highest among the groups gnomAD compares: Non-Finnish European, 0.0036%; no homozygotes.

Submissions (2):

Labcorp Genetics (formerly Invitae), Labcorp
Classification: Uncertain significance for Charcot-Marie-Tooth disease type 4. Last evaluated: 2023-06-29. Review status: criteria provided, single submitter. Criteria: Invitae Variant Classification Sherloc (09022015). Collection method: clinical testing. Allele origin: germline.
Comment: In summary, the available evidence is currently insufficient to determine the role of this variant in disease. Therefore, it has been classified as a Variant of Uncertain Significance. Advanced modeling of protein sequence and biophysical properties (such as structural, functional, and spatial information, amino acid conservation, physicochemical variation, residue mobility, and thermodynamic stability) performed at Invitae indicates that this missense variant is not expected to disrupt SH3TC2 protein function. This sequence change replaces tyrosine, which is neutral and polar, with cysteine, which is neutral and slightly polar, at codon 839 of the SH3TC2 protein (p.Tyr839Cys). This variant is present in population databases (rs202139757, gnomAD 0.003%). This variant has not been reported in the literature in individuals affected with SH3TC2-related conditions. ClinVar contains an entry for this variant (Variation ID: 857705).

Ambry Genetics
Classification: Uncertain significance for Inborn genetic diseases. Last evaluated: 2021-12-02. Review status: criteria provided, single submitter. Criteria: Ambry Variant Classification Scheme 2023. Collection method: clinical testing. Allele origin: germline.